The following is an entry in ClinVar:

ClinVar aggregate classification (germline): Likely benign (1 of 4 stars; one submission).

Allele frequency attached by ClinVar (database versions not stated): gnomAD exomes 0.00033; ESP Exome Variant Server 0.00038; ExAC 0.00071; TOPMed 0.00021; gnomAD 0.00032.
gnomAD v4.1: 529 of 1,613,472 alleles (0.033%); highest among the groups gnomAD compares: Non-Finnish European, 0.038%; 1 homozygote.

Submission:

CeGaT Center for Human Genetics Tuebingen
Classification: Likely benign. Last evaluated: 2023-05-01. Review status: criteria provided, single submitter. Criteria: CeGaT Center For Human Genetics Tuebingen Variant Classification Criteria Version 2. Collection method: clinical testing. Allele origin: germline. Affected: yes. Observed: 1 variant allele.
Comment: RBM28: BP4

NM_018077.3(RBM28):c.277+7T>G

Gene: RBM28 (RNA binding motif protein 28; minus strand). Cytogenetic location: 7q32.1.
Variant type: single nucleotide variant.
Coding change: c.277+7T>G on transcript NM_018077.3 (MANE Select); 7 bases into the intron after coding-DNA position 277, T replaced by G.
Molecular consequence: intron variant.
Genome position (GRCh38, 1-based): chr7:128,339,626, A>C on the plus strand (T>G on the coding strand, the complement: RBM28 is on the minus strand). VCF-style: chr7-128339626-A-C. GRCh37 (hg19) VCF-style: chr7-127979680-A-C.
Other names: c.119-2424T>G (NM_001166135.2).
Identifiers: ClinVar variation 2657986 (VCV002657986.24), dbSNP rs376915085, ClinGen allele CA4470396.